The following is an entry in ClinVar:

ClinVar aggregate classification (germline): Benign/Likely benign. Review status: criteria provided, multiple submitters, no conflicts (2 of 4 stars). 6 submissions from 6 submitters: Benign (2); Likely benign (2). 2 of the submissions do not count toward it. Last evaluated 2026-08-01.

Conditions:
Severe combined immunodeficiency due to DNA-PKcs deficiency. Also called: IMMUNODEFICIENCY 26 WITH NEUROLOGIC ABNORMALITIES; Immunodeficiency 26 with or without neurologic abnormalities. Identifiers: Orphanet 317425, MedGen C4014833, MONDO:0014423, OMIM 615966.

Allele frequency attached by ClinVar (database versions not stated): ESP Exome Variant Server 0.00039; gnomAD 0.00053 and 0.00072; TOPMed 0.00055; gnomAD exomes 0.00086 and 0.00135; 1000 Genomes Project 30x 0.00156; 1000 Genomes Project 0.00180; ExAC 0.00250.
gnomAD v4.1: 1,362 of 1,598,134 alleles (0.085%); highest among the groups gnomAD compares: Middle Eastern, 0.86%; 7 homozygotes.

Submissions (6):

CeGaT Center for Human Genetics Tuebingen
Classification: Likely benign. Last evaluated: 2026-08-01. Review status: criteria provided, single submitter. Criteria: CeGaT Center For Human Genetics Tuebingen Variant Classification Criteria Version 2. Collection method: clinical testing. Allele origin: germline. Affected: yes. Observed: 3 variant alleles.
Comment: PRKDC: BP4, BP7

Labcorp Genetics (formerly Invitae), Labcorp
Classification: Benign for Severe combined immunodeficiency due to DNA-PKcs deficiency. Last evaluated: 2026-02-04. Review status: criteria provided, single submitter. Criteria: Invitae Variant Classification Sherloc (09022015). Collection method: clinical testing. Allele origin: germline.

Blueprint Genetics
Classification: Likely benign. Last evaluated: 2024-11-22. Review status: criteria provided, single submitter. Criteria: ACMG Guidelines, 2015. Collection method: clinical testing. Allele origin: germline.

Breakthrough Genomics
Classification: Benign. Review status: criteria provided, single submitter. Criteria: ACMG Guidelines, 2015. Collection method: not provided. Allele origin: germline. Inheritance: Autosomal recessive inheritance. Affected: yes.

Clinical Genetics DNA and cytogenetics Diagnostics Lab, Erasmus MC, Erasmus Medical Center
Classification: Likely benign. Review status: no assertion criteria provided. Collection method: clinical testing. Allele origin: germline. Affected: yes. Study: VKGL Data-share Consensus. Not counted in ClinVar's aggregate classification.

Genome Diagnostics Laboratory, University Medical Center Utrecht
Classification: Likely benign. Review status: no assertion criteria provided. Collection method: clinical testing. Allele origin: germline. Affected: yes. Study: VKGL Data-share Consensus. Not counted in ClinVar's aggregate classification.

NM_006904.7(PRKDC):c.11337C>T (p.Ser3779=)

Gene: PRKDC (protein kinase, DNA-activated, catalytic subunit; minus strand). Cytogenetic location: 8q11.21.
Variant type: single nucleotide variant.
Coding change: c.11337C>T on transcript NM_006904.7 (MANE Select); coding-DNA position 11337, C replaced by T.
Protein change: p.Ser3779=; no amino-acid change (serine 3779 retained).
Molecular consequence: synonymous variant.
Genome position (GRCh38, 1-based): chr8:47,782,437, G>A on the plus strand (C>T on the coding strand, the complement: PRKDC is on the minus strand). VCF-style: chr8-47782437-G-A. GRCh37 (hg19) VCF-style: chr8-48694998-G-A.
Other names: c.11337C>T, p.Ser3779= (NM_001081640.2).
Identifiers: ClinVar variation 710699 (VCV000710699.37), dbSNP rs55789637, ClinGen allele CA4739114.